The following is an entry in ClinVar:

ClinVar aggregate classification (germline): Uncertain significance (1 of 4 stars; one submission).

Conditions:
Hereditary cancer-predisposing syndrome. Also called: Neoplastic Syndromes, Hereditary; Tumor predisposition; Hereditary neoplastic syndrome; Hereditary Cancer Syndrome. Identifiers: Orphanet 140162, MedGen C0027672, MeSH D009386, MONDO:0015356.

Submission:

Ambry Genetics
Classification: Uncertain significance for Hereditary cancer-predisposing syndrome. Last evaluated: 2026-07-20. Review status: criteria provided, single submitter. Criteria: Ambry Variant Classification Scheme 2023. Collection method: clinical testing. Allele origin: germline.
Comment: The c.2027-5C>T intronic variant results from a C to T substitution 5 nucleotides upstream from coding exon 19 in the POLE gene. This nucleotide position is not well conserved in available vertebrate species. In silico splice site analysis predicts that this alteration will not have any significant effect on splicing. Based on the available evidence, the clinical significance of this variant remains unclear.

NM_006231.4(POLE):c.2027-5C>T

Gene: POLE (DNA polymerase epsilon, catalytic subunit; minus strand). Cytogenetic location: 12q24.33.
Variant type: single nucleotide variant.
Coding change: c.2027-5C>T on transcript NM_006231.4 (MANE Select); 5 bases into the intron before coding-DNA position 2027, C replaced by T.
Molecular consequence: intron variant.
Genome position (GRCh38, 1-based): chr12:132,668,507, G>A on the plus strand (C>T on the coding strand, the complement: POLE is on the minus strand). VCF-style: chr12-132668507-G-A. GRCh37 (hg19) VCF-style: chr12-133245093-G-A.
Identifiers: ClinVar variation 5027083 (VCV005027083.1).
Genomic context (GRCh38, chr12:132,668,507, plus strand): 5'-CTTCTCTGACTCCAGCTGGTGCTGGATCCGATGGTATTCGCTGCGACTGGCTGGCACTGG[G>A]AAGGAGGCAATGGGGGCAAGTTCAAAAGGAGGCACAGACACACCGGCTTCCCACCAAGTG-3'